The following is an entry in ClinVar:

NM_147127.5(EVC2):c.2476C>T (p.Arg826Ter)

Gene: EVC2 (EvC ciliary complex subunit 2; minus strand). Cytogenetic location: 4p16.2.
Variant type: single nucleotide variant.
Coding change: c.2476C>T on transcript NM_147127.5 (MANE Select); coding-DNA position 2476, C replaced by T.
Protein change: p.Arg826Ter; replaces arginine 826 with a stop codon.
Molecular consequence: nonsense.
Genome position (GRCh38, 1-based): chr4:5,622,562, G>A on the plus strand (C>T on the coding strand, the complement: EVC2 is on the minus strand). VCF-style: chr4-5622562-G-A. GRCh37 (hg19) VCF-style: chr4-5624289-G-A.
Other names: c.2236C>T, p.Arg746Ter (NM_001166136.2); short protein forms R826*, R746*.
Identifiers: ClinVar variation 280117 (VCV000280117.16), dbSNP rs548681312, ClinGen allele CA2834715.

ClinVar aggregate classification (germline): Pathogenic. Review status: criteria provided, multiple submitters, no conflicts (2 of 4 stars). 5 submissions from 5 submitters: Pathogenic (4). 1 of the submissions does not count toward it. Last evaluated 2026-08-06.

Conditions:
Ellis-van Creveld syndrome (EVC). Also called: MESOECTODERMAL DYSPLASIA; Chondroectodermal dysplasia. Identifiers: Orphanet 289, MedGen C0013903, MONDO:0009162, OMIM 225500.
Curry-Hall syndrome (WAD). Also called: WEYERS ACRODENTAL DYSOSTOSIS. Identifiers: Orphanet 952, MedGen C0457013, MONDO:0008673, OMIM 193530.

Allele frequency attached by ClinVar (database versions not stated): ExAC 0.00001; gnomAD 0.00001; gnomAD exomes 0.00001; TOPMed 0.00001; 1000 Genomes Project 30x 0.00016; 1000 Genomes Project 0.00020.
gnomAD v4.1: 19 of 1,613,904 alleles (0.0012%); highest among the groups gnomAD compares: Admixed American, 0.0017%; no homozygotes.

Submissions (5):

OLLIN Analises Genomicas, OLLIN
Classification: Pathogenic for Curry-Hall syndrome. Last evaluated: 2026-08-06. Review status: criteria provided, single submitter. Criteria: ACMG Guidelines 2015 PMID 25741868. Collection method: clinical testing. Allele origin: germline.
Comment: This nonsense variant, located in exon 14 (of 22), has been reported in ClinVar (accession VCV000280117.15), in gnomAD with an allele frequency of 0.0012%, and in the scientific literature in individuals with EVC2 related disorders (PMID: 19810119, 26748586). This variant introduces a premature stop codon, which is predicted to result in either a truncated protein or degradation of the mRNA via nonsense-mediated decay (NMD). According to the currently available evidence, this variant has been classified as pathogenic (PVS1, PS4_P, PM2_P).

Fulgent Genetics
Classification: Pathogenic for Curry-Hall syndrome; Ellis-van Creveld syndrome. Last evaluated: 2024-05-23. Review status: criteria provided, single submitter. Criteria: ACMG Guidelines, 2015. Collection method: clinical testing. Allele origin: germline.

Labcorp Genetics (formerly Invitae), Labcorp
Classification: Pathogenic for Curry-Hall syndrome; Ellis-van Creveld syndrome. Last evaluated: 2024-03-07. Review status: criteria provided, single submitter. Criteria: Invitae Variant Classification Sherloc (09022015). Collection method: clinical testing. Allele origin: germline.
Comment: This sequence change creates a premature translational stop signal (p.Arg826*) in the EVC2 gene. It is expected to result in an absent or disrupted protein product. Loss-of-function variants in EVC2 are known to be pathogenic (PMID: 17024374, 19810119, 19876929). The frequency data for this variant in the population databases is considered unreliable, as metrics indicate poor data quality at this position in the gnomAD database. This premature translational stop signal has been observed in individuals with Ellis-van Creveld syndrome (PMID: 19810119, 26748586). ClinVar contains an entry for this variant (Variation ID: 280117). For these reasons, this variant has been classified as Pathogenic.

GeneDx
Classification: Pathogenic. Last evaluated: 2022-02-09. Review status: criteria provided, single submitter. Criteria: GeneDx Variant Classification Process June 2021. Collection method: clinical testing. Allele origin: germline. Affected: yes.
Comment: Nonsense variant predicted to result in protein truncation or nonsense mediated decay in a gene for which loss-of-function is a known mechanism of disease; This variant is associated with the following publications: (PMID: 25525159, 26748586, 19810119)

Counsyl
Classification: Pathogenic for Ellis-van Creveld syndrome. Last evaluated: 2018-02-21. Review status: no assertion criteria provided. Collection method: clinical testing. Allele origin: unknown. Not counted in ClinVar's aggregate classification.

Literature cited by the submitters: PubMed 19810119 (cited by 3 submitters); PubMed 26748586 (cited by 3 submitters); PubMed 17024374 (cited by Labcorp Genetics (formerly Invitae), Labcorp); PubMed 19876929 (cited by Labcorp Genetics (formerly Invitae), Labcorp).